The following is an entry in ClinVar:

ClinVar aggregate classification (germline): Uncertain significance (1 of 4 stars; one submission).

Submission:

Labcorp Genetics (formerly Invitae), Labcorp
Classification: Uncertain significance. Last evaluated: 2024-08-15. Review status: criteria provided, single submitter. Criteria: Invitae Variant Classification Sherloc (09022015). Collection method: clinical testing. Allele origin: germline.
Comment: This sequence change replaces proline, which is neutral and non-polar, with leucine, which is neutral and non-polar, at codon 441 of the SIX5 protein (p.Pro441Leu). The frequency data for this variant in the population databases is considered unreliable, as metrics indicate poor data quality at this position in the gnomAD database. This variant has not been reported in the literature in individuals affected with SIX5-related conditions. Invitae Evidence Modeling of protein sequence and biophysical properties (such as structural, functional, and spatial information, amino acid conservation, physicochemical variation, residue mobility, and thermodynamic stability) indicates that this missense variant is not expected to disrupt SIX5 protein function with a negative predictive value of 80%. In summary, the available evidence is currently insufficient to determine the role of this variant in disease. Therefore, it has been classified as a Variant of Uncertain Significance.

NM_175875.5(SIX5):c.1322C>T (p.Pro441Leu)

Gene: SIX5 (SIX homeobox 5; minus strand). Cytogenetic location: 19q13.32.
Variant type: single nucleotide variant.
Coding change: c.1322C>T on transcript NM_175875.5 (MANE Select); coding-DNA position 1322, C replaced by T.
Protein change: p.Pro441Leu; replaces proline 441 with leucine.
Molecular consequence: missense variant.
Genome position (GRCh38, 1-based): chr19:45,766,637, G>A on the plus strand (C>T on the coding strand, the complement: SIX5 is on the minus strand). VCF-style: chr19-45766637-G-A. GRCh37 (hg19) VCF-style: chr19-46269895-G-A.
Other names: short protein forms P441L.
Identifiers: ClinVar variation 3614725 (VCV003614725.2).
Genomic context (GRCh38, chr19:45,766,637, plus strand): 5'-CCCGGGGGTGGGGAGAGCGGTACCACTTGTGGGGCAGCCACAGCAGGCACTGGCCCCGGG[G>A]GCAGAGGAAAGGTGGCAGCCGTCGGGGGGCCAGGCACCACTTGGGCCAGGGGCCCCAGGA-3'
Protein context (NP_787071.3, residues 431-451): GPPTAATFPL[Pro441Leu]PGPVPAVAAP